The following is an entry in ClinVar:

ClinVar aggregate classification (germline): Uncertain significance (1 of 4 stars; one submission).

Submission:

Ambry Genetics
Classification: Uncertain significance. Last evaluated: 2022-09-13. Review status: criteria provided, single submitter. Criteria: Ambry Variant Classification Scheme 2023. Collection method: clinical testing. Allele origin: germline.
Comment: The p.P478L variant (also known as c.1433C>T), located in coding exon 13 of the BUB1 gene, results from a C to T substitution at nucleotide position 1433. The proline at codon 478 is replaced by leucine, an amino acid with similar properties. This amino acid position is conserved. In addition, this alteration is predicted to be tolerated by in silico analysis. Since supporting evidence is limited at this time, the clinical significance of this alteration remains unclear.

NM_004336.5(BUB1):c.1433C>T (p.Pro478Leu)

Gene: BUB1 (BUB1 mitotic checkpoint serine/threonine kinase; minus strand). Cytogenetic location: 2q13.
Variant type: single nucleotide variant.
Coding change: c.1433C>T on transcript NM_004336.5 (MANE Select); coding-DNA position 1433, C replaced by T.
Protein change: p.Pro478Leu; replaces proline 478 with leucine.
Molecular consequence: missense variant.
Genome position (GRCh38, 1-based): chr2:110,658,493, G>A on the plus strand (C>T on the coding strand, the complement: BUB1 is on the minus strand). VCF-style: chr2-110658493-G-A. GRCh37 (hg19) VCF-style: chr2-111416070-G-A.
Other names: c.1373C>T, p.Pro458Leu (NM_001278616.2); c.1433C>T, p.Pro478Leu (NM_001278617.2); short protein forms P458L, P478L.
Identifiers: ClinVar variation 1772552 (VCV001772552.2), dbSNP rs2468009857, ClinGen allele CA348212422.